The following is an entry in ClinVar:

ClinVar aggregate classification (germline): Conflicting classifications of pathogenicity. Review status: criteria provided, conflicting classifications (1 of 4 stars). 6 submissions from 6 submitters: Uncertain significance (4); Benign (1). 1 of the submissions does not count toward it. Last evaluated 2025-08-24.

Conditions:
Lymphangiomyomatosis (LAM). Also called: Lymphangioleiomyomatosis; Lymphangioleiomyomatosis, somatic. Identifiers: Orphanet 538, MedGen C0751674, MONDO:0011705, OMIM 606690.
Tuberous sclerosis 2 (TSC2). Identifiers: Orphanet 805, MedGen C1860707, MONDO:0013199, OMIM 613254.
Isolated focal cortical dysplasia type II (FCORD2). Also called: CORTICAL DYSPLASIA OF TAYLOR; Focal cortical dysplasia type II. Identifiers: Orphanet 268994, MedGen C1846385, MONDO:0011818, OMIM 607341, HP:0032051.
Hereditary cancer-predisposing syndrome. Also called: Neoplastic Syndromes, Hereditary; Tumor predisposition; Hereditary Cancer Syndrome; Hereditary neoplastic syndrome. Identifiers: Orphanet 140162, MedGen C0027672, MeSH D009386, MONDO:0015356.
Tuberous sclerosis syndrome (TSC). Also called: Tuberous Sclerosis Complex; Tuberous sclerosis. Identifiers: Orphanet 805, MedGen C0041341, MONDO:0001734.

Allele frequency attached by ClinVar (database versions not stated): gnomAD exomes below 0.00001 and 0.00001; ExAC 0.00001.
gnomAD v4.1: 3 of 1,610,830 alleles (0.00019%); highest among the groups gnomAD compares: Non-Finnish European, 0.00025%; no homozygotes.

Submissions (6):

Labcorp Genetics (formerly Invitae), Labcorp
Classification: Benign for Tuberous sclerosis 2. Last evaluated: 2025-08-24. Review status: criteria provided, single submitter. Criteria: Invitae Variant Classification Sherloc (09022015). Collection method: clinical testing. Allele origin: germline.

Ambry Genetics
Classification: Uncertain significance for Hereditary cancer-predisposing syndrome. Last evaluated: 2025-07-01. Review status: criteria provided, single submitter. Criteria: Ambry Variant Classification Scheme 2023. Collection method: clinical testing. Allele origin: germline.
Comment: The p.D1319V variant (also known as c.3956A>T), located in coding exon 32 of the TSC2 gene, results from an A to T substitution at nucleotide position 3956. The aspartic acid at codon 1319 is replaced by valine, an amino acid with highly dissimilar properties. This amino acid position is highly conserved in available vertebrate species. In addition, this alteration is predicted to be deleterious by in silico analysis. Based on the available evidence, the clinical significance of this variant remains unclear.

Genome-Nilou Lab
Classification: Uncertain significance for Tuberous sclerosis 2. Last evaluated: 2021-11-07. Review status: criteria provided, single submitter. Criteria: ACMG Guidelines, 2015. Collection method: clinical testing. Allele origin: germline. Affected: no.

Sema4
Classification: Uncertain significance for Hereditary cancer-predisposing syndrome. Last evaluated: 2021-08-27. Review status: criteria provided, single submitter. Criteria: Sema4 Curation Guidelines. Collection method: curation. Allele origin: germline.
Comment: The TSC2 c.3956A>T (p.D1319V) variant has been reported in heterozygosity in at least one individual with tuberous sclerosis complex that was confirmed to be de novo (PMID: 9463313). It was observed in 1/244442 chromosomes in the large and broad cohorts of the Genome Aggregation Database (PMID: 32461654). The variant has been reported in ClinVar (Variation ID 49522). Functional studies have not been performed and in silico predictions of the variant's effect on protein function are inconclusive. The evidence is insufficient to meet ACMG/AMP criteria for classifying the variant as benign or pathogenic. Thus, the clinical significance of this variant is currently uncertain.

Fulgent Genetics
Classification: Uncertain significance for Lymphangiomyomatosis; Isolated focal cortical dysplasia type II; Tuberous sclerosis 2. Last evaluated: 2018-10-31. Review status: criteria provided, single submitter. Criteria: ACMG Guidelines, 2015. Collection method: clinical testing. Allele origin: unknown.

Tuberous sclerosis database (TSC2)
No classification provided. Condition: TSC. Review status: no classification provided. Criteria: Tuberous Sclerosis Database Assertion Criteria 2015. Collection method: curation. Allele origin: germline. Affected: yes. Not counted in ClinVar's aggregate classification.

Literature cited by the submitters: PubMed 9463313 (cited by Sema4).

NM_000548.5(TSC2):c.3956A>T (p.Asp1319Val)

Gene: TSC2 (TSC complex subunit 2; plus strand). Cytogenetic location: 16p13.3.
Variant type: single nucleotide variant.
Coding change: c.3956A>T on transcript NM_000548.5 (MANE Select); coding-DNA position 3956, A replaced by T.
Protein change: p.Asp1319Val; replaces aspartic acid 1319 with valine.
Molecular consequence: missense variant.
Genome position (GRCh38, 1-based): chr16:2,083,767, A>T. VCF-style: chr16-2083767-A-T. GRCh37 (hg19) VCF-style: chr16-2133768-A-T.
Other names: c.3755A>T, p.Asp1252Val (NM_001077183.3); c.3887A>T, p.Asp1296Val (NM_001114382.3); c.3647A>T, p.Asp1216Val (NM_001318827.2); c.3611A>T, p.Asp1204Val (NM_001318829.2); c.3224A>T, p.Asp1075Val (NM_001318831.2); c.3788A>T, p.Asp1263Val (NM_001318832.2); c.3758A>T, p.Asp1253Val (NM_001363528.2); c.3824A>T, p.Asp1275Val (NM_001370404.1); and 1 more; short protein forms D1319V, D1204V, D1216V, D1275V, D1075V, D1252V, D1253V, D1263V.
Identifiers: ClinVar variation 49522 (VCV000049522.23), dbSNP rs45517322, ClinGen allele CA019742.
Genomic context (GRCh38, chr16:2,083,767, plus strand): 5'-TCATGGAGGAGGGAAGTCCGGGCGAGGTTCCTGTGCTGGTGGAGCCCCCAGGGTTGGAGG[A>T]CGTTGAGGCAGCGCTAGGCATGGACAGGCGCACGGATGCCTACAGCAGGGTGAGTGTGGC-3'
Protein context (NP_000539.2, residues 1309-1329): PVLVEPPGLE[Asp1319Val]VEAALGMDRR